The following is an entry in ClinVar:

NM_052947.4(ALPK2):c.2576C>G (p.Thr859Arg)

Gene: ALPK2 (alpha kinase 2; minus strand). Cytogenetic location: 18q21.31.
Variant type: single nucleotide variant.
Coding change: c.2576C>G on transcript NM_052947.4 (MANE Select); coding-DNA position 2576, C replaced by G.
Protein change: p.Thr859Arg; replaces threonine 859 with arginine.
Molecular consequence: missense variant.
Genome position (GRCh38, 1-based): chr18:58,537,611, G>C on the plus strand (C>G on the coding strand, the complement: ALPK2 is on the minus strand). VCF-style: chr18-58537611-G-C. GRCh37 (hg19) VCF-style: chr18-56204843-G-C.
Other names: short protein forms T859R.
Identifiers: ClinVar variation 3228633 (VCV003228633.1), dbSNP rs2518877502, ClinGen allele CA402570230.

ClinVar aggregate classification (germline): Uncertain significance (1 of 4 stars; one submission).

Submission:

Ambry Genetics
Classification: Uncertain significance. Last evaluated: 2023-03-12. Review status: criteria provided, single submitter. Criteria: Ambry Variant Classification Scheme 2023. Collection method: clinical testing. Allele origin: germline.
Comment: The p.T859R variant (also known as c.2576C>G), located in coding exon 4 of the ALPK2 gene, results from a C to G substitution at nucleotide position 2576. The threonine at codon 859 is replaced by arginine, an amino acid with similar properties. This amino acid position is conserved. In addition, this alteration is predicted to be tolerated by in silico analysis. Since supporting evidence is limited at this time, the clinical significance of this alteration remains unclear.